The following is an entry in ClinVar:

ClinVar aggregate classification (germline): Uncertain significance (1 of 4 stars; one submission).

Submission:

Labcorp Genetics (formerly Invitae), Labcorp
Classification: Uncertain significance. Last evaluated: 2022-05-07. Review status: criteria provided, single submitter. Criteria: Invitae Variant Classification Sherloc (09022015). Collection method: clinical testing. Allele origin: germline.
Comment: In summary, the available evidence is currently insufficient to determine the role of this variant in disease. Therefore, it has been classified as a Variant of Uncertain Significance. Experimental studies and prediction algorithms are not available or were not evaluated, and the functional significance of this variant is currently unknown. This variant has not been reported in the literature in individuals affected with VCAN-related conditions. This variant is not present in population databases (gnomAD no frequency). This sequence change creates a premature translational stop signal (p.Val1120Glyfs*20) in the VCAN gene. It is expected to result in an absent or disrupted protein product. However, the current clinical and genetic evidence is not sufficient to establish whether loss-of-function variants in VCAN cause disease.

NM_004385.5(VCAN):c.3359_3404del (p.Val1120fs)

Gene: VCAN (versican; plus strand). Cytogenetic location: 5q14.3.
Variant type: Deletion.
Coding change: c.3359_3404del on transcript NM_004385.5 (MANE Select); coding-DNA positions 3359 to 3404, 46 bases deleted.
Protein change: p.Val1120fs; shifts the reading frame from valine 1120.
Molecular consequence: frameshift variant. On other transcripts: intron variant (2).
Genome position (GRCh38, 1-based): chr5:83,521,665-83,521,710, 46 bases deleted; deleting any 46 consecutive bases within chr5:83,521,663-83,521,710 gives the same sequence; the c. name uses the placement nearest the transcript's 3' end. GRCh37 (hg19): chr5:82,817,484-82,817,529.
Other names: c.3359_3404del, p.Val1120fs (NM_001164098.2); c.1042+9269_1042+9314del (NM_001164097.2, NM_001126336.3); short protein forms V1120fs.
Identifiers: ClinVar variation 2116223 (VCV002116223.4), dbSNP rs2479057583, ClinGen allele CA2580073658.